The following is an entry in ClinVar:

ClinVar aggregate classification (germline): Uncertain significance (1 of 4 stars; one submission).

Submission:

Labcorp Genetics (formerly Invitae), Labcorp
Classification: Uncertain significance. Last evaluated: 2025-01-27. Review status: criteria provided, single submitter. Criteria: Invitae Variant Classification Sherloc (09022015). Collection method: clinical testing. Allele origin: germline.
Comment: This sequence change replaces methionine, which is neutral and non-polar, with threonine, which is neutral and polar, at codon 1108 of the KMT2E protein (p.Met1108Thr). This variant is present in population databases (no rsID available, gnomAD 0.007%). This variant has not been reported in the literature in individuals affected with KMT2E-related conditions. Invitae Evidence Modeling of protein sequence and biophysical properties (such as structural, functional, and spatial information, amino acid conservation, physicochemical variation, residue mobility, and thermodynamic stability) indicates that this missense variant is not expected to disrupt KMT2E protein function with a negative predictive value of 80%. In summary, the available evidence is currently insufficient to determine the role of this variant in disease. Therefore, it has been classified as a Variant of Uncertain Significance.

NM_182931.3(KMT2E):c.3323T>C (p.Met1108Thr)

Gene: KMT2E (lysine methyltransferase 2E (inactive); plus strand). Cytogenetic location: 7q22.3.
Variant type: single nucleotide variant.
Coding change: c.3323T>C on transcript NM_182931.3 (MANE Select); coding-DNA position 3323, T replaced by C.
Protein change: p.Met1108Thr; replaces methionine 1108 with threonine.
Molecular consequence: missense variant.
Genome position (GRCh38, 1-based): chr7:105,107,780, T>C. VCF-style: chr7-105107780-T-C. GRCh37 (hg19) VCF-style: chr7-104748227-T-C.
Other names: c.3323T>C, p.Met1108Thr (NM_001410908.1, NM_018682.4); short protein forms M1108T.
Identifiers: ClinVar variation 3716041 (VCV003716041.2).